The following is an entry in ClinVar:

NM_004744.5(LRAT):c.487C>G (p.His163Asp)

Gene: LRAT (lecithin retinol acyltransferase; plus strand). Cytogenetic location: 4q32.1.
Variant type: single nucleotide variant.
Coding change: c.487C>G on transcript NM_004744.5 (MANE Select); coding-DNA position 487, C replaced by G.
Protein change: p.His163Asp; replaces histidine 163 with aspartic acid.
Molecular consequence: missense variant.
Genome position (GRCh38, 1-based): chr4:154,744,813, C>G. VCF-style: chr4-154744813-C-G. GRCh37 (hg19) VCF-style: chr4-155665965-C-G.
Other names: c.487C>G, p.His163Asp (NM_001301645.2); short protein forms H163D.
Identifiers: ClinVar variation 425342 (VCV000425342.52), dbSNP rs1010347467, ClinGen allele CA16621821.

ClinVar aggregate classification (germline): Conflicting classifications of pathogenicity. Review status: criteria provided, conflicting classifications (1 of 4 stars). 6 submissions from 6 submitters: Pathogenic (2); Likely pathogenic (2); Uncertain significance (2). Last evaluated 2025-10-26.

Conditions:
LRAT-related disorder. Also called: LRAT-related condition.
Leber congenital amaurosis 14 (LCA14). Identifiers: MedGen C2750063, MONDO:0013231, OMIM 613341.
Retinitis pigmentosa (RP). Identifiers: Orphanet 791, MedGen C0035334, MeSH D012174, MONDO:0019200, OMIM 268000. Inheritance: Autosomal dominant, autosomal recessive and X linked inheritance.

gnomAD v4.1: 1 of 1,613,972 alleles (0.000062%); no homozygotes.

Submissions (6):

Labcorp Genetics (formerly Invitae), Labcorp
Classification: Uncertain significance. Last evaluated: 2025-10-26. Review status: criteria provided, single submitter. Criteria: Invitae Variant Classification Sherloc (09022015). Collection method: clinical testing. Allele origin: germline.
Comment: This sequence change replaces histidine, which is basic and polar, with aspartic acid, which is acidic and polar, at codon 163 of the LRAT protein (p.His163Asp). This variant is not present in population databases (gnomAD no frequency). This missense change has been observed in individuals with LRAT-related conditions (PMID: 32531858, 35754085; internal data). ClinVar contains an entry for this variant (Variation ID: 425342). An algorithm developed to predict the effect of missense changes on protein structure and function (PolyPhen-2) suggests that this variant is likely to be disruptive. This variant disrupts the p.His163 amino acid residue in LRAT. Other variant(s) that disrupt this residue have been observed in individuals with LRAT-related conditions (PMID: 37734845), which suggests that this may be a clinically significant amino acid residue. In summary, the available evidence is currently insufficient to determine the role of this variant in disease. Therefore, it has been classified as a Variant of Uncertain Significance.

Lab De Baere, Eye and Developmental Genetics Lab, Ghent University
Classification: Likely pathogenic for Retinitis pigmentosa. Last evaluated: 2024-10-01. Review status: criteria provided, single submitter. Criteria: ACMG Guidelines, 2015. Collection method: research. Allele origin: inherited. Affected: yes. Observed: 1 variant allele.
Comment: ACMG/AMP guidelines: PM2, PP4_PP, PP3, PM5, PM3_PP

Institute of Medical Genetics and Applied Genomics, University Hospital Tübingen
Classification: Likely pathogenic for Leber congenital amaurosis 14. Last evaluated: 2023-03-24. Review status: criteria provided, single submitter. Criteria: ACMG Guidelines, 2015. Collection method: clinical testing. Allele origin: germline. Inheritance: Autosomal recessive inheritance. Affected: yes.

Molecular Genetics Laboratory, Institute for Ophthalmic Research
Classification: Pathogenic for Retinitis pigmentosa. Last evaluated: 2020-01-09. Review status: criteria provided, single submitter. Criteria: ACMG Guidelines, 2015. Collection method: research. Allele origin: germline. Affected: yes.

Blueprint Genetics
Classification: Pathogenic for LRAT-related disorders. Last evaluated: 2019-12-09. Review status: criteria provided, single submitter. Criteria: ACMG Guidelines, 2015. Collection method: clinical testing. Allele origin: germline. Affected: yes. Observed: 1 variant allele.

CeGaT Center for Human Genetics Tuebingen
Classification: Uncertain significance. Last evaluated: 2016-09-01. Review status: criteria provided, single submitter. Criteria: CeGaT Center For Human Genetics Tuebingen Variant Classification Criteria Version 2. Collection method: clinical testing. Allele origin: germline. Affected: yes. Observed: 1 variant allele.

Literature cited by the submitters: PubMed 32531858 (cited by Labcorp Genetics (formerly Invitae), Labcorp); PubMed 35754085 (cited by Labcorp Genetics (formerly Invitae), Labcorp); PubMed 37734845 (cited by Labcorp Genetics (formerly Invitae), Labcorp).